The following is an entry in ClinVar:

NC_000006.11:g.(?_5404755)_(5404954_?)dup

Gene: FARS2 (phenylalanyl-tRNA synthetase 2, mitochondrial; plus strand). Cytogenetic location: 6p25.1.
Variant type: Duplication.
Identifiers: ClinVar variation 2425608 (VCV002425608.4).

ClinVar aggregate classification (germline): Likely pathogenic (1 of 4 stars; one submission).

Conditions:
Combined oxidative phosphorylation defect type 14. Also called: Combined oxidative phosphorylation deficiency 14. Identifiers: Orphanet 319519, MedGen C4755312, MONDO:0013986, OMIM 614946.

Submission:

Labcorp Genetics (formerly Invitae), Labcorp
Classification: Likely pathogenic for Combined oxidative phosphorylation defect type 14. Last evaluated: 2023-06-05. Review status: criteria provided, single submitter. Criteria: Invitae Variant Classification Sherloc (09022015). Collection method: clinical testing. Allele origin: germline.
Comment: In summary, the currently available evidence indicates that the variant is pathogenic, but additional data are needed to prove that conclusively. Therefore, this variant has been classified as Likely Pathogenic. This variant has not been reported in the literature in individuals affected with FARS2-related conditions. This variant results in a copy number gain of the genomic region encompassing exon(s) 3 of the FARS2 gene. While the exact position of this variant cannot be determined from the data, sub-genic copy number gains are generally in tandem (PMID: 25640679). This variant is predicted to be out-of-frame, and may result in an absent or disrupted protein product. Loss-of-function variants in FARS2 are known to be pathogenic (PMID: 22833457).

Literature cited by the submitters: PubMed 25640679; PubMed 22833457.